The following is an entry in ClinVar:

NM_001062.4(TCN1):c.337A>G (p.Ile113Val)

Gene: TCN1 (transcobalamin 1; minus strand). Cytogenetic location: 11q12.1.
Variant type: single nucleotide variant.
Coding change: c.337A>G on transcript NM_001062.4 (MANE Select); coding-DNA position 337, A replaced by G.
Protein change: p.Ile113Val; replaces isoleucine 113 with valine.
Molecular consequence: missense variant.
Genome position (GRCh38, 1-based): chr11:59,862,645, T>C on the plus strand (A>G on the coding strand, the complement: TCN1 is on the minus strand). VCF-style: chr11-59862645-T-C. GRCh37 (hg19) VCF-style: chr11-59630118-T-C.
Other names: short protein forms I113V.
Identifiers: ClinVar variation 933675 (VCV000933675.8), dbSNP rs199557500, ClinGen allele CA6022056.
Genomic context (GRCh38, chr11:59,862,645, plus strand): 5'-TATTTTCAATTTCTGCTTGGAATTTATTTTCTAGCTTGTCGATCAGGTGGTAATCATATA[T>C]TAAGTTTTCCTCAGCGTTACGACATACTCCCAAAGCCAGTATAATCAAGGCAAGCTCTCC-3'
Protein context (NP_001053.2, residues 103-123): GVCRNAEENL[Ile113Val]YDYHLIDKLE

ClinVar aggregate classification (germline): Uncertain significance. Review status: criteria provided, multiple submitters, no conflicts (2 of 4 stars). 3 submissions from 3 submitters: Uncertain significance (3). Last evaluated 2025-03-17.

Conditions:
Transcobalamin I deficiency (TCN1D). Also called: COBALAMIN PSEUDODEFICIENCY DUE TO TRANSCOBALAMIN DEFICIENCY; COBALAMIN R BINDER PROTEIN DEFICIENCY; TCN1 DEFICIENCY. Identifiers: Orphanet 2967, MedGen C0342700, MONDO:0008659, OMIM 193090.

Allele frequency attached by ClinVar (database versions not stated): ESP Exome Variant Server 0.00008; TOPMed 0.00011; ExAC 0.00012; gnomAD 0.00012 and 0.00013; gnomAD exomes 0.00013 and 0.00038.
gnomAD v4.1: 559 of 1,613,672 alleles (0.035%); highest among the groups gnomAD compares: Non-Finnish European, 0.046%; 1 homozygote.

Submissions (3):

Labcorp Genetics (formerly Invitae), Labcorp
Classification: Uncertain significance for Transcobalamin I deficiency. Last evaluated: 2025-03-17. Review status: criteria provided, single submitter. Criteria: Invitae Variant Classification Sherloc (09022015). Collection method: clinical testing. Allele origin: germline.
Comment: This sequence change replaces isoleucine, which is neutral and non-polar, with valine, which is neutral and non-polar, at codon 113 of the TCN1 protein (p.Ile113Val). This variant is present in population databases (rs199557500, gnomAD 0.02%). This variant has not been reported in the literature in individuals affected with TCN1-related conditions. ClinVar contains an entry for this variant (Variation ID: 933675). An algorithm developed to predict the effect of missense changes on protein structure and function outputs the following: PolyPhen-2: "Benign". The valine amino acid residue is found in multiple mammalian species, which suggests that this missense change does not adversely affect protein function. In summary, the available evidence is currently insufficient to determine the role of this variant in disease. Therefore, it has been classified as a Variant of Uncertain Significance.

Ambry Genetics
Classification: Uncertain significance. Last evaluated: 2024-07-30. Review status: criteria provided, single submitter. Criteria: Ambry Variant Classification Scheme 2023. Collection method: clinical testing. Allele origin: germline.

Revvity Omics, Revvity
Classification: Uncertain significance. Last evaluated: 2019-04-03. Review status: criteria provided, single submitter. Criteria: ACMG Guidelines, 2015. Collection method: clinical testing. Allele origin: germline.